The following is an entry in ClinVar:

ClinVar aggregate classification (germline): Likely benign (0 of 4 stars; one submission).

Conditions:
ARHGAP24-related disorder. Also called: ARHGAP24-related condition.

gnomAD v4.1: 9 of 1,613,822 alleles (0.00056%); highest among the groups gnomAD compares: Non-Finnish European, 0.00051%; no homozygotes.

Submission:

PreventionGenetics, part of Exact Sciences
Classification: Likely benign for ARHGAP24-related condition. Last evaluated: 2023-06-08. Review status: no assertion criteria provided. Collection method: clinical testing. Allele origin: germline.
Comment: This variant is classified as likely benign based on ACMG/AMP sequence variant interpretation guidelines (Richards et al. 2015 PMID: 25741868, with internal and published modifications).

NM_001025616.3(ARHGAP24):c.391+7160G>A

Gene: ARHGAP24 (Rho GTPase activating protein 24; plus strand). Cytogenetic location: 4q21.23.
Variant type: single nucleotide variant.
Coding change: c.391+7160G>A on transcript NM_001025616.3 (MANE Select); 7160 bases into the intron after coding-DNA position 391, G replaced by A.
Molecular consequence: intron variant. On other transcripts: 5 prime UTR variant (1).
Genome position (GRCh38, 1-based): chr4:85,930,930, G>A. VCF-style: chr4-85930930-G-A. GRCh37 (hg19) VCF-style: chr4-86852083-G-A.
Other names: c.-1G>A (NM_031305.3); c.106+7160G>A (NM_001042669.2); c.20+7160G>A (NM_001346093.2); c.136+7160G>A (NM_001287805.2).
Identifiers: ClinVar variation 3046102 (VCV003046102.2), dbSNP rs759353752, ClinGen allele CA2994452.